The following is an entry in ClinVar:

ClinVar aggregate classification (germline): Likely benign (1 of 4 stars; one submission).

Allele frequency attached by ClinVar (database versions not stated): ExAC 0.00001; gnomAD exomes 0.00001; TOPMed 0.00002.
gnomAD v4.1: 6 of 1,209,999 alleles (0.0005%); highest among the groups gnomAD compares: Middle Eastern, 0.023%; no homozygotes.

Submission:

CeGaT Center for Human Genetics Tuebingen
Classification: Likely benign. Last evaluated: 2022-07-01. Review status: criteria provided, single submitter. Criteria: CeGaT Center For Human Genetics Tuebingen Variant Classification Criteria Version 2. Collection method: clinical testing. Allele origin: germline. Affected: yes. Observed: 1 variant allele.
Comment: BCORL1: BP4, BP7

NM_001379451.1(BCORL1):c.912G>A (p.Pro304=)

Gene: BCORL1 (BCL6 corepressor like 1; plus strand). Cytogenetic location: Xq26.1.
Variant type: single nucleotide variant.
Coding change: c.912G>A on transcript NM_001379451.1 (MANE Select); coding-DNA position 912, G replaced by A.
Protein change: p.Pro304=; no amino-acid change (proline 304 retained).
Molecular consequence: synonymous variant.
Genome position (GRCh38, 1-based): chrX:130,013,684, G>A. VCF-style: chrX-130013684-G-A. GRCh37 (hg19) VCF-style: chrX-129147660-G-A.
Other names: c.912G>A, p.Pro304= (NM_001184772.3, NM_001379450.1, NM_021946.5).
Identifiers: ClinVar variation 2661412 (VCV002661412.24), dbSNP rs750864364, ClinGen allele CA10514193.
Genomic context (GRCh38, chrX:130,013,684, plus strand): 5'-TGTGCCAGCTTCTGCTCCCCCTTCAGGCCCGGTTCCCTTGTCGGCTCCAGCTCCTGCCCC[G>A]CTTTCAGTCCCAGTTTCAGCTCCTCCCTTGGCTCTCATCCAGGCTCCTGTGCCCCCTTCA-3'
Protein context (NP_001366380.1, residues 294-314): PVPLSAPAPA[Pro304=]LSVPVSAPPL